The following is an entry in ClinVar:

ClinVar aggregate classification (germline): Uncertain significance (1 of 4 stars; one submission).

Conditions:
Immunodeficiency, common variable, 7. Identifiers: Orphanet 1572, Orphanet 696894, MedGen C3542922, MONDO:0013862, OMIM 614699.

Allele frequency attached by ClinVar (database versions not stated): gnomAD exomes 0.00001.
gnomAD v4.1: 19 of 1,613,990 alleles (0.0012%); highest among the groups gnomAD compares: Non-Finnish European, 0.0016%; no homozygotes.

Submission:

Labcorp Genetics (formerly Invitae), Labcorp
Classification: Uncertain significance for Immunodeficiency, common variable, 7. Last evaluated: 2022-09-07. Review status: criteria provided, single submitter. Criteria: Invitae Variant Classification Sherloc (09022015). Collection method: clinical testing. Allele origin: germline.
Comment: This sequence change replaces asparagine, which is neutral and polar, with lysine, which is basic and polar, at codon 925 of the CR2 protein (p.Asn925Lys). This variant is not present in population databases (gnomAD no frequency). This variant has not been reported in the literature in individuals affected with CR2-related conditions. ClinVar contains an entry for this variant (Variation ID: 1355706). Algorithms developed to predict the effect of missense changes on protein structure and function (SIFT, PolyPhen-2, Align-GVGD) all suggest that this variant is likely to be tolerated. In summary, the available evidence is currently insufficient to determine the role of this variant in disease. Therefore, it has been classified as a Variant of Uncertain Significance.

NM_001006658.3(CR2):c.2775C>A (p.Asn925Lys)

Gene: CR2 (complement C3d receptor 2; plus strand). Cytogenetic location: 1q32.2.
Variant type: single nucleotide variant.
Coding change: c.2775C>A on transcript NM_001006658.3 (MANE Select); coding-DNA position 2775, C replaced by A.
Protein change: p.Asn925Lys; replaces asparagine 925 with lysine.
Molecular consequence: missense variant.
Genome position (GRCh38, 1-based): chr1:207,476,292, C>A. VCF-style: chr1-207476292-C-A. GRCh37 (hg19) VCF-style: chr1-207649637-C-A.
Other names: c.2598C>A, p.Asn866Lys (NM_001877.5); short protein forms N866K, N925K.
Identifiers: ClinVar variation 1355706 (VCV001355706.5), dbSNP rs756303128, ClinGen allele CA36653366.